The following is an entry in ClinVar:

ClinVar aggregate classification (germline): Likely pathogenic (1 of 4 stars; one submission).

Conditions:
Structural eye disease.

Submission:

Genetics Laboratory, Great Ormond Street Hospital NHS Foundation Trust, North Thames Genomic Laboratory Hub
Classification: Likely pathogenic for Structural eye disease. Last evaluated: 2025-12-03. Review status: criteria provided, single submitter. Criteria: ACGS Best Practice Guidelines for Variant Classification in Rare Disease 2024 v1.2. Collection method: clinical testing. Allele origin: germline. Affected: yes.
Comment: PS4_moderate, PM2_moderate, PS3_moderate

NM_000266.4(NDP):c.293C>T (p.Pro98Leu)

Genes: NDP (norrin cystine knot growth factor NDP; minus strand), NDP-AS1 (NDP antisense RNA 1; plus strand). Cytogenetic location: Xp11.3.
Variant type: single nucleotide variant.
Coding change: c.293C>T on transcript NM_000266.4 (MANE Select); coding-DNA position 293, C replaced by T.
Protein change: p.Pro98Leu; replaces proline 98 with leucine.
Molecular consequence: missense variant. On other transcripts: non-coding transcript variant (1).
Genome position (GRCh38, 1-based): chrX:43,949,908, G>A on the plus strand (C>T on the coding strand, the complement: NDP is on the minus strand). VCF-style: chrX-43949908-G-A. GRCh37 (hg19) VCF-style: chrX-43809154-G-A.
Other names: short protein forms P98L.
Identifiers: ClinVar variation 4688058 (VCV004688058.1).
Genomic context (GRCh38, chrX:43,949,908, plus strand): 5'-GCAGTGAGTCGCATGCCCCCTGAGCATCGCAGCCGCAGTGCCTTCAGCTTGGAAGTCTGG[G>A]GCCGGCAGCAGTGACAGGAGGAACGGAAGGGTTGCTTGAGGACAGTGCTGAACGACACCA-3'
Protein context (NP_000257.1, residues 88-108): PFRSSCHCCR[Pro98Leu]QTSKLKALRL